The following is an entry in ClinVar:

NM_021961.6(TEAD1):c.514G>A (p.Val172Ile)

Gene: TEAD1 (TEA domain transcription factor 1; plus strand). Cytogenetic location: 11p15.3.
Variant type: single nucleotide variant.
Coding change: c.514G>A on transcript NM_021961.6 (MANE Select); coding-DNA position 514, G replaced by A.
Protein change: p.Val172Ile; replaces valine 172 with isoleucine.
Molecular consequence: missense variant.
Genome position (GRCh38, 1-based): chr11:12,881,897, G>A. VCF-style: chr11-12881897-G-A. GRCh37 (hg19) VCF-style: chr11-12903444-G-A.
Other names: short protein forms V172I.
Identifiers: ClinVar variation 1380644 (VCV001380644.6), dbSNP rs376178332, ClinGen allele CA5891648.

ClinVar aggregate classification (germline): Uncertain significance (1 of 4 stars; one submission).

Allele frequency attached by ClinVar (database versions not stated): gnomAD exomes below 0.00001; TOPMed below 0.00001; ExAC 0.00001; gnomAD 0.00001; ESP Exome Variant Server 0.00008.
gnomAD v4.1: 6 of 1,614,070 alleles (0.00037%); highest among the groups gnomAD compares: Admixed American, 0.0017%; no homozygotes.

Submission:

Labcorp Genetics (formerly Invitae), Labcorp
Classification: Uncertain significance. Last evaluated: 2022-01-02. Review status: criteria provided, single submitter. Criteria: Invitae Variant Classification Sherloc (09022015). Collection method: clinical testing. Allele origin: germline.
Comment: In summary, the available evidence is currently insufficient to determine the role of this variant in disease. Therefore, it has been classified as a Variant of Uncertain Significance. Algorithms developed to predict the effect of missense changes on protein structure and function (SIFT, PolyPhen-2, Align-GVGD) all suggest that this variant is likely to be tolerated. This variant has not been reported in the literature in individuals affected with TEAD1-related conditions. This variant is present in population databases (rs376178332, gnomAD 0.0009%). This sequence change replaces valine, which is neutral and non-polar, with isoleucine, which is neutral and non-polar, at codon 172 of the TEAD1 protein (p.Val172Ile).